The following is an entry in ClinVar:

ClinVar aggregate classification (germline): Likely benign. Review status: criteria provided, multiple submitters, no conflicts (2 of 4 stars). 2 submissions from 2 submitters: Likely benign (2). Last evaluated 2025-07-16.

gnomAD v4.1: 56 of 1,614,010 alleles (0.0035%); highest among the groups gnomAD compares: East Asian, 0.038%; no homozygotes.

Submissions (2):

Women's Health and Genetics/Laboratory Corporation of America, LabCorp
Classification: Likely benign. Last evaluated: 2025-07-16. Review status: criteria provided, single submitter. Criteria: LabCorp Variant Classification Summary - May 2015. Collection method: clinical testing. Allele origin: germline.
Comment: Variant summary: CFH c.3645A>T alters a non-conserved nucleotide resulting in a synonymous change. Consensus agreement among computation tools predict no significant impact on normal splicing. However, these predictions have yet to be confirmed by functional studies. The variant allele was found at a frequency of 9.9e-05 in 251306 control chromosomes. This frequency is not significantly higher than estimated for a pathogenic variant in CFH causing CFH-Related Disorders, allowing no conclusion about variant significance. To our knowledge, no occurrence of c.3645A>T in individuals affected with CFH-Related Disorders and no experimental evidence demonstrating its impact on protein function have been reported. No submitters have cited clinical-significance assessments for this variant to ClinVar. Based on the evidence outlined above, the variant was classified as likely benign.

Blueprint Genetics
Classification: Likely benign. Last evaluated: 2022-10-24. Review status: criteria provided, single submitter. Criteria: ACMG Guidelines, 2015. Collection method: clinical testing. Allele origin: germline.

NM_000186.4(CFH):c.3645A>T (p.Arg1215=)

Gene: CFH (complement factor H; plus strand). Cytogenetic location: 1q31.3.
Variant type: single nucleotide variant.
Coding change: c.3645A>T on transcript NM_000186.4 (MANE Select); coding-DNA position 3645, A replaced by T.
Protein change: p.Arg1215=; no amino-acid change (arginine 1215 retained).
Molecular consequence: synonymous variant.
Genome position (GRCh38, 1-based): chr1:196,747,262, A>T. VCF-style: chr1-196747262-A-T. GRCh37 (hg19) VCF-style: chr1-196716392-A-T.
Identifiers: ClinVar variation 4525858 (VCV004525858.2).
Genomic context (GRCh38, chr1:196,747,262, plus strand): 5'-ATCAGTTGAATTTGTGTGTAAACGGGGATATCGTCTTTCATCACGTTCTCACACATTGCG[A>T]ACAACATGTTGGGATGGGAAACTGGAGTATCCAACTTGTGCAAAAAGATAGAATCAATCA-3'
Protein context (NP_000177.2, residues 1205-1225): YRLSSRSHTL[Arg1215=]TTCWDGKLEY